The following is an entry in ClinVar:

NM_001122630.2(CDKN1C):c.105G>T (p.Leu35=)

Gene: CDKN1C (cyclin dependent kinase inhibitor 1C; minus strand). Cytogenetic location: 11p15.4.
Variant type: single nucleotide variant.
Coding change: c.105G>T on transcript NM_001122630.2 (MANE Select); coding-DNA position 105, G replaced by T.
Protein change: p.Leu35=; no amino-acid change (leucine 35 retained).
Molecular consequence: synonymous variant.
Genome position (GRCh38, 1-based): chr11:2,885,352, C>A on the plus strand (G>T on the coding strand, the complement: CDKN1C is on the minus strand). VCF-style: chr11-2885352-C-A. GRCh37 (hg19) VCF-style: chr11-2906582-C-A.
Other names: c.138G>T, p.Leu46= (NM_000076.2, NM_001362474.2); c.105G>T, p.Leu35= (NM_001122631.2, NM_001362475.2).
Identifiers: ClinVar variation 1120617 (VCV001120617.11), dbSNP rs762337324, ClinGen allele CA5822238.
Genomic context (GRCh38, chr11:2,885,352, plus strand): 5'-CTGGAAGTCGTAATCCCAGCGGTTCTGGTCCTCGGCGTTCAGCTCGGCCAGGCGGGCCTG[C>A]AGCTCGCGGCTCAGCTCCTCGTGGTCCACCGGCCCGAAGAGGCTGCGGCAGGCGCTGGTG-3'
Protein context (NP_001116102.1, residues 25-45): PVDHEELSRE[Leu35=]QARLAELNAE

ClinVar aggregate classification (germline): Likely benign. Review status: criteria provided, single submitter (1 of 4 stars). 2 submissions from 2 submitters: Likely benign (1). 1 of the submissions does not count toward it. Last evaluated 2023-03-02.

Conditions:
Beckwith-Wiedemann syndrome (BWS). Also called: Exomphalos macroglossia gigantism syndrome; EMG SYNDROME. Identifiers: Orphanet 116, MedGen C0004903, MONDO:0007534, OMIM 130650.
CDKN1C-related disorder. Also called: CDKN1C-related condition.

gnomAD v4.1: 6 of 1,591,686 alleles (0.00038%); highest among the groups gnomAD compares: African/African-American, 0.0067%; no homozygotes.

Submissions (2):

Labcorp Genetics (formerly Invitae), Labcorp
Classification: Likely benign for Beckwith-Wiedemann syndrome. Last evaluated: 2023-03-02. Review status: criteria provided, single submitter. Criteria: Invitae Variant Classification Sherloc (09022015). Collection method: clinical testing. Allele origin: germline.

PreventionGenetics, part of Exact Sciences
Classification: Likely benign for CDKN1C-related condition. Last evaluated: 2022-03-28. Review status: no assertion criteria provided. Collection method: clinical testing. Allele origin: germline. Not counted in ClinVar's aggregate classification.
Comment: This variant is classified as likely benign based on ACMG/AMP sequence variant interpretation guidelines (Richards et al. 2015 PMID: 25741868, with internal and published modifications).